The following is an entry in ClinVar:

NM_152419.3(HGSNAT):c.1623G>A (p.Ser541=)

Gene: HGSNAT (heparan-alpha-glucosaminide N-acetyltransferase; plus strand). Cytogenetic location: 8p11.21.
Variant type: single nucleotide variant.
Coding change: c.1623G>A on transcript NM_152419.3 (MANE Select); coding-DNA position 1623, G replaced by A.
Protein change: p.Ser541=; no amino-acid change (serine 541 retained).
Molecular consequence: synonymous variant.
Genome position (GRCh38, 1-based): chr8:43,197,849, G>A. VCF-style: chr8-43197849-G-A. GRCh37 (hg19) VCF-style: chr8-43052992-G-A.
Other names: p.Ser541=; c.1710G>A, p.Ser570= (NM_001363227.2); c.1431G>A, p.Ser477= (NM_001363228.2); c.759G>A, p.Ser253= (NM_001363229.2).
Identifiers: ClinVar variation 791714 (VCV000791714.12), dbSNP rs372909374, ClinGen allele CA4736984.

ClinVar aggregate classification (germline): Likely benign. Review status: criteria provided, multiple submitters, no conflicts (2 of 4 stars). 4 submissions from 4 submitters: Likely benign (3). 1 of the submissions does not count toward it. Last evaluated 2026-02-03.

Conditions:
Mucopolysaccharidosis, MPS-III-C (MPS3C). Also called: MUCOPOLYSACCHARIDOSIS, TYPE IIIC; mucopolysaccharidosis type 3C; SANFILIPPO SYNDROME C; MPS III C; MPS IIIC (Sanfilippo Syndrome Type C); Mucopolysaccharidosis type IIIC (Sanfilippo C). Identifiers: Orphanet 581, Orphanet 79271, MedGen C0086649, MONDO:0009657, OMIM 252930.
Retinitis pigmentosa 73 (RP73). Identifiers: Orphanet 791, MedGen C4225287, MONDO:0014687, OMIM 616544.

Allele frequency attached by ClinVar (database versions not stated): ESP Exome Variant Server 0.00041; gnomAD 0.00038; TOPMed 0.00046; 1000 Genomes Project 30x 0.00031.
gnomAD v4.1: 145 of 1,613,872 alleles (0.009%); highest among the groups gnomAD compares: African/African-American, 0.15%; no homozygotes.

Submissions (4):

Labcorp Genetics (formerly Invitae), Labcorp
Classification: Likely benign for Retinitis pigmentosa 73; Mucopolysaccharidosis, MPS-III-C. Last evaluated: 2026-02-03. Review status: criteria provided, single submitter. Criteria: Invitae Variant Classification Sherloc (09022015). Collection method: clinical testing. Allele origin: germline.

Mayo Clinic Laboratories, Mayo Clinic
Classification: Likely benign. Last evaluated: 2025-11-20. Review status: criteria provided, single submitter. Criteria: ACMG Guidelines, 2015. Collection method: clinical testing. Allele origin: germline. Observed: 2 variant alleles.
Comment: BS1, BP4, BP7

Blueprint Genetics
Classification: Likely benign. Last evaluated: 2024-11-11. Review status: criteria provided, single submitter. Criteria: ACMG Guidelines, 2015. Collection method: clinical testing. Allele origin: germline.

Natera, Inc.
Classification: Likely benign for Mucopolysaccharidosis type IIIC. Last evaluated: 2020-04-14. Review status: no assertion criteria provided. Collection method: clinical testing. Allele origin: germline. Not counted in ClinVar's aggregate classification.